The following is an entry in ClinVar:

NM_006946.4(SPTBN2):c.3514C>T (p.His1172Tyr)

Gene: SPTBN2 (spectrin beta, non-erythrocytic 2; minus strand). Cytogenetic location: 11q13.2.
Variant type: single nucleotide variant.
Coding change: c.3514C>T on transcript NM_006946.4 (MANE Select); coding-DNA position 3514, C replaced by T.
Protein change: p.His1172Tyr; replaces histidine 1172 with tyrosine.
Molecular consequence: missense variant.
Genome position (GRCh38, 1-based): chr11:66,700,585, G>A on the plus strand (C>T on the coding strand, the complement: SPTBN2 is on the minus strand). VCF-style: chr11-66700585-G-A. GRCh37 (hg19) VCF-style: chr11-66468056-G-A.
Other names: c.3535C>T, p.His1179Tyr (NM_001411025.1); short protein forms H1172Y, H1179Y.
Identifiers: ClinVar variation 2579357 (VCV002579357.1), dbSNP rs752516644, ClinGen allele CA6128852.
Genomic context (GRCh38, chr11:66,700,585, plus strand): 5'-CCTGGCTGCTGAGCACGCCCTCAGCCTGACGAGCATCCCGCAGGAATCCCTGGAAGCCGT[G>A]GGCCTGGGCCAGGCGACCTTGCCGGCTCTCCCACATTCGGCCCAGCTCCTCCCAGCCAGT-3'
Protein context (NP_008877.2, residues 1162-1182): ESRQGRLAQA[His1172Tyr]GFQGFLRDAR

ClinVar aggregate classification (germline): Uncertain significance (1 of 4 stars; one submission).

Allele frequency attached by ClinVar (database versions not stated): gnomAD exomes below 0.00001; ExAC 0.00001; gnomAD 0.00001; TOPMed 0.00001.
gnomAD v4.1: 7 of 1,607,752 alleles (0.00044%); highest among the groups gnomAD compares: South Asian, 0.0011%; no homozygotes.

Submission:

GeneDx
Classification: Uncertain significance. Last evaluated: 2023-03-06. Review status: criteria provided, single submitter. Criteria: GeneDx Variant Classification Process June 2021. Collection method: clinical testing. Allele origin: germline. Affected: yes.
Comment: In silico analysis supports that this missense variant does not alter protein structure/function; Has not been previously published as pathogenic or benign to our knowledge